The following is an entry in ClinVar:

ClinVar aggregate classification (germline): Pathogenic (1 of 4 stars; one submission).

Conditions:
Amyotrophic lateral sclerosis type 1 (ALS1). Also called: AMYOTROPHIC LATERAL SCLEROSIS 1, FAMILIAL. Identifiers: Orphanet 803, MedGen C1862939, MONDO:0007103, OMIM 105400.

Submission:

Labcorp Genetics (formerly Invitae), Labcorp
Classification: Pathogenic for Amyotrophic lateral sclerosis type 1. Last evaluated: 2024-04-17. Review status: criteria provided, single submitter. Criteria: Invitae Variant Classification Sherloc (09022015). Collection method: clinical testing. Allele origin: germline.
Comment: This sequence change replaces leucine, which is neutral and non-polar, with serine, which is neutral and polar, at codon 127 of the SOD1 protein (p.Leu127Ser). This variant is not present in population databases (gnomAD no frequency). This missense change has been observed in individuals with amyotrophic lateral sclerosis (PMID: 11346368, 11602336). This variant is also known as p.Leu126Ser. ClinVar contains an entry for this variant (Variation ID: 2138379). Advanced modeling of protein sequence and biophysical properties (such as structural, functional, and spatial information, amino acid conservation, physicochemical variation, residue mobility, and thermodynamic stability) performed at Invitae indicates that this missense variant is expected to disrupt SOD1 protein function with a positive predictive value of 95%. Experimental studies have shown that this missense change affects SOD1 function (PMID: 23280792). For these reasons, this variant has been classified as Pathogenic.

Literature cited by the submitters: PubMed 11346368; PubMed 11602336; PubMed 23280792.

NM_000454.5(SOD1):c.380T>C (p.Leu127Ser)

Gene: SOD1 (superoxide dismutase 1; plus strand). Cytogenetic location: 21q22.11.
Variant type: single nucleotide variant.
Coding change: c.380T>C on transcript NM_000454.5 (MANE Select); coding-DNA position 380, T replaced by C.
Protein change: p.Leu127Ser; replaces leucine 127 with serine.
Molecular consequence: missense variant.
Genome position (GRCh38, 1-based): chr21:31,668,493, T>C. VCF-style: chr21-31668493-T-C. GRCh37 (hg19) VCF-style: chr21-33040806-T-C.
Other names: short protein forms L127S.
Identifiers: ClinVar variation 2138379 (VCV002138379.4), dbSNP rs121912454, ClinGen allele CA410037674.